The following is an entry in ClinVar:

NM_030777.4(SLC2A10):c.1292C>A (p.Thr431Asn)

Gene: SLC2A10 (solute carrier family 2 member 10; plus strand). Cytogenetic location: 20q13.12.
Variant type: single nucleotide variant.
Coding change: c.1292C>A on transcript NM_030777.4 (MANE Select); coding-DNA position 1292, C replaced by A.
Protein change: p.Thr431Asn; replaces threonine 431 with asparagine.
Molecular consequence: missense variant.
Genome position (GRCh38, 1-based): chr20:46,726,867, C>A. VCF-style: chr20-46726867-C-A. GRCh37 (hg19) VCF-style: chr20-45355506-C-A.
Other names: short protein forms T431N.
Identifiers: ClinVar variation 1769131 (VCV001769131.2), dbSNP rs772160405, ClinGen allele CA9892160.

ClinVar aggregate classification (germline): Uncertain significance (1 of 4 stars; one submission).

Conditions:
Familial thoracic aortic aneurysm and aortic dissection (TAAD). Also called: Thoracic aortic aneurysms and dissections. Identifiers: Orphanet 91387, MedGen C4707243, MONDO:0019625.

Allele frequency attached by ClinVar (database versions not stated): TOPMed below 0.00001; ExAC 0.00001.
gnomAD v4.1: 3 of 1,597,272 alleles (0.00019%); highest among the groups gnomAD compares: Non-Finnish European, 0.000085%; no homozygotes.

Submission:

Ambry Genetics
Classification: Uncertain significance for Familial thoracic aortic aneurysm and aortic dissection. Last evaluated: 2021-07-04. Review status: criteria provided, single submitter. Criteria: Ambry Variant Classification Scheme 2023. Collection method: clinical testing. Allele origin: germline.
Comment: The p.T431N variant (also known as c.1292C>A), located in coding exon 3 of the SLC2A10 gene, results from a C to A substitution at nucleotide position 1292. The threonine at codon 431 is replaced by asparagine, an amino acid with similar properties. This amino acid position is conserved. In addition, this alteration is predicted to be tolerated by in silico analysis. Since supporting evidence is limited at this time, the clinical significance of this alteration remains unclear.